The following is an entry in ClinVar:

ClinVar aggregate classification (germline): Likely pathogenic (1 of 4 stars; one submission).

Conditions:
LAMA2-related muscular dystrophy (LAMA2-RD). Also called: Laminin alpha 2-related dystrophy. Identifiers: MedGen C5679788, MONDO:0100228.

Submission:

Labcorp Genetics (formerly Invitae), Labcorp
Classification: Likely pathogenic for LAMA2-related muscular dystrophy. Last evaluated: 2025-08-10. Review status: criteria provided, single submitter. Criteria: Invitae Variant Classification Sherloc (09022015). Collection method: clinical testing. Allele origin: germline.
Comment: This sequence change affects an acceptor splice site in intron 4 of the LAMA2 gene. It is expected to disrupt RNA splicing. Variants that disrupt the donor or acceptor splice site typically lead to a loss of protein function (PMID: 16199547), and loss-of-function variants in LAMA2 are known to be pathogenic (PMID: 18700894, 32904964). This variant is not present in population databases (gnomAD no frequency). This variant has not been reported in the literature in individuals affected with LAMA2-related conditions. Algorithms developed to predict the effect of sequence changes on RNA splicing suggest that this variant may disrupt the consensus splice site. In summary, the currently available evidence indicates that the variant is pathogenic, but additional data are needed to prove that conclusively. Therefore, this variant has been classified as Likely Pathogenic.

Literature cited by the submitters: PubMed 16199547; PubMed 18700894; PubMed 32904964.

NM_000426.4(LAMA2):c.640-2A>G

Gene: LAMA2 (laminin subunit alpha 2; plus strand). Cytogenetic location: 6q22.33.
Variant type: single nucleotide variant.
Coding change: c.640-2A>G on transcript NM_000426.4 (MANE Select); the canonical splice acceptor site of the intron before coding-DNA position 640, A replaced by G.
Molecular consequence: splice acceptor variant.
Genome position (GRCh38, 1-based): chr6:129,143,899, A>G. VCF-style: chr6-129143899-A-G. GRCh37 (hg19) VCF-style: chr6-129465044-A-G.
Other names: c.640-2A>G (NM_001079823.2).
Identifiers: ClinVar variation 4803578 (VCV004803578.1).